The following is an entry in ClinVar:

ClinVar aggregate classification (germline): Uncertain significance (1 of 4 stars; one submission).

Submission:

Women's Health and Genetics/Laboratory Corporation of America, LabCorp
Classification: Uncertain significance. Last evaluated: 2025-11-03. Review status: criteria provided, single submitter. Criteria: LabCorp Variant Classification Summary - May 2015. Collection method: clinical testing. Allele origin: germline.
Comment: Variant summary: C3 c.383G>A (p.Gly128Glu) results in a non-conservative amino acid change in the encoded protein sequence. Algorithms developed to predict the effect of missense changes on protein structure and function are either unavailable or do not agree on the potential impact of this missense change. The variant was absent in 251402 control chromosomes. The available data on variant occurrences in the general population are insufficient to allow any conclusion about variant significance. To our knowledge, no occurrence of c.383G>A in individuals affected with C3-related conditions and no experimental evidence demonstrating its impact on protein function have been reported. No submitters have cited clinical-significance assessments for this variant to ClinVar. Based on the evidence outlined above, the variant was classified as uncertain significance.

NM_000064.4(C3):c.383G>A (p.Gly128Glu)

Gene: C3 (complement C3; minus strand). Cytogenetic location: 19p13.3.
Variant type: single nucleotide variant.
Coding change: c.383G>A on transcript NM_000064.4 (MANE Select); coding-DNA position 383, G replaced by A.
Protein change: p.Gly128Glu; replaces glycine 128 with glutamic acid.
Molecular consequence: missense variant.
Genome position (GRCh38, 1-based): chr19:6,718,297, C>T on the plus strand (G>A on the coding strand, the complement: C3 is on the minus strand). VCF-style: chr19-6718297-C-T. GRCh37 (hg19) VCF-style: chr19-6718308-C-T.
Other names: short protein forms G128E.
Identifiers: ClinVar variation 4537151 (VCV004537151.1).